The following is an entry in ClinVar:

NM_000051.4(ATM):c.5887del (p.Asp1963fs)

Genes: ATM (ATM serine/threonine kinase; plus strand), C11orf65 (chromosome 11 open reading frame 65; minus strand). Cytogenetic location: 11q22.3.
Variant type: Deletion.
Coding change: c.5887del on transcript NM_000051.4 (MANE Select); coding-DNA position 5887, one base deleted (G; older notation c.5887delG).
Protein change: p.Asp1963fs; shifts the reading frame from aspartic acid 1963.
Molecular consequence: frameshift variant. On other transcripts: intron variant (2).
Genome position (GRCh38, 1-based): chr11:108,310,284, G deleted. VCF-style (leftmost placement, unchanged base first): chr11-108310283-AG-A. GRCh37 (hg19) VCF-style: chr11-108181010-AG-A.
Other names: c.5887del, p.Asp1963fs (NM_001351834.2); c.641-1213del (NM_001330368.2); c.*39-1213del (NM_001351110.2); short protein forms D1963fs.
Identifiers: ClinVar variation 2124015 (VCV002124015.4), dbSNP rs2547029909, ClinGen allele CA2580083473.

ClinVar aggregate classification (germline): Pathogenic (1 of 4 stars; one submission).

Conditions:
Ataxia-telangiectasia syndrome (AT). Also called: ATAXIA-TELANGIECTASIA, COMPLEMENTATION GROUP A; ATAXIA-TELANGIECTASIA, FRESNO VARIANT; Ataxia-telangiectasia; Ataxia-telangiectasia, complementation group E; LOUIS-BAR SYNDROME; Cerebello-oculocutaneous telangiectasia. Identifiers: Orphanet 100, MedGen C0004135, MONDO:0008840, OMIM 208900.

Submission:

Labcorp Genetics (formerly Invitae), Labcorp
Classification: Pathogenic for Ataxia-telangiectasia syndrome. Last evaluated: 2022-04-10. Review status: criteria provided, single submitter. Criteria: Invitae Variant Classification Sherloc (09022015). Collection method: clinical testing. Allele origin: germline.
Comment: This variant has not been reported in the literature in individuals affected with ATM-related conditions. This variant is not present in population databases (gnomAD no frequency). This sequence change creates a premature translational stop signal (p.Asp1963Ilefs*27) in the ATM gene. It is expected to result in an absent or disrupted protein product. Loss-of-function variants in ATM are known to be pathogenic (PMID: 23807571, 25614872). For these reasons, this variant has been classified as Pathogenic.

Literature cited by the submitters: PubMed 23807571; PubMed 25614872.